The following is an entry in ClinVar:

NM_004304.5(ALK):c.2095G>A (p.Ala699Thr)

Gene: ALK (ALK receptor tyrosine kinase; minus strand). Cytogenetic location: 2p23.2.
Variant type: single nucleotide variant.
Coding change: c.2095G>A on transcript NM_004304.5 (MANE Select); coding-DNA position 2095, G replaced by A.
Protein change: p.Ala699Thr; replaces alanine 699 with threonine.
Molecular consequence: missense variant.
Genome position (GRCh38, 1-based): chr2:29,251,214, C>T on the plus strand (G>A on the coding strand, the complement: ALK is on the minus strand). VCF-style: chr2-29251214-C-T. GRCh37 (hg19) VCF-style: chr2-29474080-C-T.
Other names: short protein forms A699T.
Identifiers: ClinVar variation 3683860 (VCV003683860.2).

ClinVar aggregate classification (germline): Uncertain significance (1 of 4 stars; one submission).

Conditions:
Neuroblastoma, susceptibility to, 3. Also called: ALK-Related Neuroblastic Tumor Susceptibility. Identifiers: Orphanet 635, MedGen C2751681, MONDO:0013083, OMIM 613014.

Submission:

Labcorp Genetics (formerly Invitae), Labcorp
Classification: Uncertain significance for Neuroblastoma, susceptibility to, 3. Last evaluated: 2024-12-18. Review status: criteria provided, single submitter. Criteria: Invitae Variant Classification Sherloc (09022015). Collection method: clinical testing. Allele origin: germline.
Comment: This sequence change replaces alanine, which is neutral and non-polar, with threonine, which is neutral and polar, at codon 699 of the ALK protein (p.Ala699Thr). This variant is not present in population databases (gnomAD no frequency). This variant has not been reported in the literature in individuals affected with ALK-related conditions. An algorithm developed to predict the effect of missense changes on protein structure and function outputs the following: PolyPhen-2: "Benign". The threonine amino acid residue is found in multiple mammalian species, which suggests that this missense change does not adversely affect protein function. In summary, the available evidence is currently insufficient to determine the role of this variant in disease. Therefore, it has been classified as a Variant of Uncertain Significance.